The following is an entry in ClinVar:

ClinVar aggregate classification (germline): Uncertain significance (1 of 4 stars; one submission).

Conditions:
Trichorhinophalangeal syndrome, type III (TRPS3). Also called: SUGIO-KAJII SYNDROME. Identifiers: Orphanet 77258, MedGen C1860823, OMIM 190351, MONDO:0008597.
Trichorhinophalangeal dysplasia type I (TRPS1). Also called: TRICHORHINOPHALANGEAL SYNDROME, TYPE I; TRPS I. Identifiers: Orphanet 77258, MedGen C0432233, MONDO:0008596, OMIM 190350.

Allele frequency attached by ClinVar (database versions not stated): gnomAD 0.00001 and 0.00002; TOPMed 0.00001; ExAC 0.00002; gnomAD exomes 0.00002; 1000 Genomes Project 30x 0.00016; 1000 Genomes Project 0.00020.

Submission:

Labcorp Genetics (formerly Invitae), Labcorp
Classification: Uncertain significance for Trichorhinophalangeal syndrome, type III; Trichorhinophalangeal dysplasia type I. Last evaluated: 2024-09-27. Review status: criteria provided, single submitter. Criteria: Invitae Variant Classification Sherloc (09022015). Collection method: clinical testing. Allele origin: germline.
Comment: This sequence change replaces alanine, which is neutral and non-polar, with threonine, which is neutral and polar, at codon 153 of the TRPS1 protein (p.Ala153Thr). This variant is present in population databases (rs570746805, gnomAD 0.01%). This variant has not been reported in the literature in individuals affected with TRPS1-related conditions. ClinVar contains an entry for this variant (Variation ID: 1348108). Invitae Evidence Modeling of protein sequence and biophysical properties (such as structural, functional, and spatial information, amino acid conservation, physicochemical variation, residue mobility, and thermodynamic stability) indicates that this missense variant is not expected to disrupt TRPS1 protein function with a negative predictive value of 80%. In summary, the available evidence is currently insufficient to determine the role of this variant in disease. Therefore, it has been classified as a Variant of Uncertain Significance.

NM_014112.5(TRPS1):c.457G>A (p.Ala153Thr)

Gene: TRPS1 (transcriptional repressor GATA binding 1; minus strand). Cytogenetic location: 8q23.3.
Variant type: single nucleotide variant.
Coding change: c.457G>A on transcript NM_014112.5 (MANE Select); coding-DNA position 457, G replaced by A.
Protein change: p.Ala153Thr; replaces alanine 153 with threonine.
Molecular consequence: missense variant.
Genome position (GRCh38, 1-based): chr8:115,619,641, C>T on the plus strand (G>A on the coding strand, the complement: TRPS1 is on the minus strand). VCF-style: chr8-115619641-C-T. GRCh37 (hg19) VCF-style: chr8-116631868-C-T.
Other names: c.430G>A, p.Ala144Thr (NM_001282902.3); c.436G>A, p.Ala146Thr (NM_001282903.3); c.418G>A, p.Ala140Thr (NM_001330599.2); short protein forms A140T, A146T, A144T, A153T.
Identifiers: ClinVar variation 1348108 (VCV001348108.8), dbSNP rs570746805, ClinGen allele CA4852000.